The following is an entry in ClinVar:

NM_000264.5(PTCH1):c.2712dup (p.Gln905fs)

Gene: PTCH1 (patched 1; minus strand). Cytogenetic location: 9q22.32.
Variant type: Duplication.
Coding change: c.2712dup on transcript NM_000264.5 (MANE Select); coding-DNA position 2712, one base duplicated (A; older notation c.2712dupA).
Protein change: p.Gln905fs; shifts the reading frame from glutamine 905.
Molecular consequence: frameshift variant. On other transcripts: non-coding transcript variant (1).
Genome position (GRCh38, 1-based): chr9:95,459,775, T duplicated on the plus strand (A on the coding strand, the reverse complement: PTCH1 is on the minus strand); the first of 3 consecutive T bases (chr9:95,459,775-95,459,777); duplicating any one gives the same sequence. VCF-style (leftmost placement, unchanged base first): chr9-95459774-G-GT. GRCh37 (hg19) VCF-style: chr9-98222056-G-GT.
Other names: c.2712dupA (NM_000264.3); c.2514dup, p.Gln839fs (NM_001083602.3); c.2709dup, p.Gln904fs (NM_001083603.3); c.2259dup, p.Gln754fs (NM_001083604.3, NM_001083605.3, NM_001083606.3 and 1 more transcripts); c.2556dup, p.Gln853fs (NM_001354918.2); short protein forms Q853fs, Q904fs, Q754fs, Q905fs, Q839fs.
Identifiers: ClinVar variation 545878 (VCV000545878.2), dbSNP rs143091773, ClinGen allele CA658821551.
Genomic context (GRCh38, chr9:95,459,774, plus strand): 5'-CCGTCAGGTAGATGTAGAAAGCGCTGGGATTAATGATGCCATCTGCATCCACCAGACGCT[G>GT]TTTAGTCAACTACAAAAACGGGAAGAACAGAGGCCTTTGAGAATGGGGTTGGGGGTAAAC-3'

ClinVar aggregate classification (germline): Pathogenic (1 of 4 stars; one submission).

Submission:

GeneDx
Classification: Pathogenic. Last evaluated: 2018-02-19. Review status: criteria provided, single submitter. Criteria: GeneDx Variant Classification (06012015). Collection method: clinical testing. Allele origin: germline. Affected: yes.
Comment: This duplication of one nucleotide in PTCH1 is denoted c.2712dupA at the cDNA level and p.Gln905ThrfsX11 (Q905TfsX11) at the protein level. The normal sequence, with the base that is duplicated in brackets, is CTAA[dupA]CAGC. The duplication causes a frameshift which changes a Glutamine to a Threonine at codon 905, and creates a premature stop codon at position 11 of the new reading frame. This variant is predicted to cause loss of normal protein function through either protein truncation or nonsense-mediated mRNA decay. Also reported as PTCH1 c.2712_2713insA using alternate nomenclature, this variant has been observed in at least one family with Nevoid basal cell carcinoma syndrome (Fuji 2011, Guo 2013). We consider this variant to be pathogenic.